The following is an entry in ClinVar:

NM_000257.4(MYH7):c.3866G>A (p.Arg1289Gln)

Gene: MYH7 (myosin heavy chain 7; minus strand). Cytogenetic location: 14q11.2.
Variant type: single nucleotide variant.
Coding change: c.3866G>A on transcript NM_000257.4 (MANE Select); coding-DNA position 3866, G replaced by A.
Protein change: p.Arg1289Gln; replaces arginine 1289 with glutamine.
Molecular consequence: missense variant.
Genome position (GRCh38, 1-based): chr14:23,419,283, C>T on the plus strand (G>A on the coding strand, the complement: MYH7 is on the minus strand). VCF-style: chr14-23419283-C-T. GRCh37 (hg19) VCF-style: chr14-23888492-C-T.
Other names: c.3866G>A (NM_000257.2); short protein forms R1289Q.
Identifiers: ClinVar variation 689588 (VCV000689588.12), dbSNP rs1287612987, ClinGen allele CA389041779.

ClinVar aggregate classification (germline): Uncertain significance. Review status: criteria provided, multiple submitters, no conflicts (2 of 4 stars). 6 submissions from 6 submitters: Uncertain significance (5). 1 of the submissions does not count toward it. Last evaluated 2025-10-29.

Conditions:
Cardiomyopathy (CMYO). Also called: Cardiomyopathies. Identifiers: Orphanet 167848, MedGen C0878544, MONDO:0004994, HP:0001638. Inheritance: Various modes of inheritance.
Hypertrophic cardiomyopathy 1 (CMH1). Also called: Familial hypertrophic cardiomyopathy 1; MYH7-Related Familial Hypertrophic Cardiomyopathy. Identifiers: MedGen C3495498, MONDO:0008647, OMIM 192600.
Congenital myopathy with fiber type disproportion. Also called: Congenital fiber-type disproportion myopathy; Congenital fiber-type disproportion. Identifiers: Orphanet 2020, MedGen C0546264, MONDO:0009711. Inheritance: all.
MYH7-related skeletal myopathy. Also called: MYOPATHY, DISTAL, EARLY-ONSET, AUTOSOMAL DOMINANT; Myopathy, distal, 1; MYOPATHY, LATE DISTAL HEREDITARY; Laing early-onset distal myopathy; Laing distal myopathy. Identifiers: Orphanet 59135, MedGen C4552004, MONDO:0008050, OMIM 160500.
Myopathy, myosin storage, autosomal recessive (CMYO7B). Also called: CONGENITAL MYOPATHY 7B, MYOSIN STORAGE, AUTOSOMAL RECESSIVE. Identifiers: Orphanet 636970, MedGen C1850709, MONDO:0009708, OMIM 255160.
Myosin storage myopathy (CMYO7A). Also called: MYOPATHY, HYALINE BODY, AUTOSOMAL DOMINANT; SCAPULOPERONEAL MUSCULAR DYSTROPHY; SCAPULOPERONEAL SYNDROME, MYOPATHIC TYPE; MYH7-related late-onset scapuloperoneal muscular dystrophy; Congenital myopathy 7A, myosin storage, autosomal dominant; Scapuloperoneal myopathy, MYH7-related. Identifiers: Orphanet 437572, Orphanet 636965, MedGen C1842160, MONDO:0008409, OMIM 608358.
Dilated cardiomyopathy 1S (CMD1S). Identifiers: Orphanet 154, Orphanet 54260, MedGen C1834481, MONDO:0013262, OMIM 613426.
Cardiovascular phenotype. Identifiers: MedGen CN230736.
Primary dilated cardiomyopathy (DCM). Also called: Dilated Cardiomyopathy. Identifiers: Orphanet 217604, MedGen C0007193, MeSH D002311, MONDO:0005021, HP:0001644. Inheritance: Various modes of inheritance.
Hypertrophic cardiomyopathy. Also called: HYPERTROPHIC MYOCARDIOPATHY. Identifiers: Orphanet 217569, MedGen C0007194, MeSH D002312, MONDO:0005045, HP:0001639.

Allele frequency attached by ClinVar (database versions not stated): gnomAD exomes below 0.00001 and 0.00001; TOPMed below 0.00001; gnomAD 0.00001.
gnomAD v4.1: 6 of 1,614,136 alleles (0.00037%); highest among the groups gnomAD compares: Non-Finnish European, 0.00042%; no homozygotes.

Submissions (6):

Labcorp Genetics (formerly Invitae), Labcorp
Classification: Uncertain significance for Hypertrophic cardiomyopathy. Last evaluated: 2025-10-29. Review status: criteria provided, single submitter. Criteria: Invitae Variant Classification Sherloc (09022015). Collection method: clinical testing. Allele origin: germline.
Comment: This sequence change replaces arginine, which is basic and polar, with glutamine, which is neutral and polar, at codon 1289 of the MYH7 protein (p.Arg1289Gln). This variant is present in population databases (no rsID available, gnomAD 0.002%). This missense change has been observed in individual(s) with dilated cardiomyopathy and/or myopathy (PMID: 32659924, 37240454). ClinVar contains an entry for this variant (Variation ID: 689588). Invitae Evidence Modeling of protein sequence and biophysical properties (such as structural, functional, and spatial information, amino acid conservation, physicochemical variation, residue mobility, and thermodynamic stability) indicates that this missense variant is expected to disrupt MYH7 protein function with a positive predictive value of 95%. In summary, the available evidence is currently insufficient to determine the role of this variant in disease. Therefore, it has been classified as a Variant of Uncertain Significance.

All of Us Research Program, National Institutes of Health
Classification: Uncertain significance for Cardiomyopathy. Last evaluated: 2023-05-04. Review status: criteria provided, single submitter. Criteria: ACMG Guidelines, 2015. Collection method: clinical testing. Allele origin: germline. Inheritance: Autosomal dominant inheritance. Observed: 1 variant allele, 1 heterozygote.
Comment: This missense variant replaces arginine with glutamine at codon 1289 of the MYH7 protein. Computational prediction is inconclusive regarding the impact of this variant on protein structure and function (internally defined REVEL score threshold 0.5 < inconclusive < 0.7, PMID: 27666373). To our knowledge, functional studies have not been reported for this variant. This variant has been reported in an individual affected with dilated cardiomyopathy (PMID: 32659924). This variant has been identified in 3/282870 chromosomes in the general population by the Genome Aggregation Database (gnomAD). The available evidence is insufficient to determine the role of this variant in disease conclusively. Therefore, this variant is classified as a Variant of Uncertain Significance.

This study involves interpretation of variants in research participants for the purpose of population health screening. Participant phenotype was not available at the time of variant classification. Additional details can be found in publication PMID: 35346344, PMCID: PMC8962531

Ambry Genetics
Classification: Uncertain significance for Cardiovascular phenotype. Last evaluated: 2023-03-01. Review status: criteria provided, single submitter. Criteria: Ambry Variant Classification Scheme 2023. Collection method: clinical testing. Allele origin: germline.
Comment: The p.R1289Q variant (also known as c.3866G>A), located in coding exon 27 of the MYH7 gene, results from a G to A substitution at nucleotide position 3866. The arginine at codon 1289 is replaced by glutamine, an amino acid with highly similar properties. This alteration has been reported in an individual with dilated cardiomyopathy (DCM), who was found to have an additional alteration in another cardiac-related gene (Kolokotronis K et al. J Clin Med, 2020 Jul;9:[ePub ahead of print]). This amino acid position is highly conserved in available vertebrate species. In addition, the in silico prediction for this alteration is inconclusive. Since supporting evidence is limited at this time, the clinical significance of this alteration remains unclear.

GeneDx
Classification: Uncertain significance. Last evaluated: 2023-02-13. Review status: criteria provided, single submitter. Criteria: GeneDx Variant Classification Process June 2021. Collection method: clinical testing. Allele origin: germline. Affected: yes.
Comment: Reported in an individual with DCM who also has a variant in the RBM20 gene (Kolokotronis et al., 2020); Not observed at significant frequency in large population cohorts (gnomAD); In silico analysis supports that this missense variant has a deleterious effect on protein structure/function; This variant is associated with the following publications: (PMID: 34542152, 32659924)

Fulgent Genetics
Classification: Uncertain significance for MYH7-related skeletal myopathy; Myosin storage myopathy; Hypertrophic cardiomyopathy 1; Myopathy, myosin storage, autosomal recessive; Congenital myopathy 4A, autosomal dominant; Dilated cardiomyopathy 1S. Last evaluated: 2021-08-21. Review status: criteria provided, single submitter. Criteria: ACMG Guidelines, 2015. Collection method: clinical testing. Allele origin: unknown.

Institute of Human Genetics, University of Wuerzburg
Classification: Uncertain significance for Primary dilated cardiomyopathy. Review status: no assertion criteria provided. Collection method: clinical testing. Allele origin: unknown. Not counted in ClinVar's aggregate classification.

Literature cited by the submitters: PubMed 32659924 (cited by 3 submitters); PubMed 37240454 (cited by Labcorp Genetics (formerly Invitae), Labcorp).